The following is an entry in ClinVar:

ClinVar aggregate classification (germline): Uncertain significance (1 of 4 stars; one submission).

Submission:

Labcorp Genetics (formerly Invitae), Labcorp
Classification: Uncertain significance. Last evaluated: 2019-07-17. Review status: criteria provided, single submitter. Criteria: Invitae Variant Classification Sherloc (09022015). Collection method: clinical testing. Allele origin: germline.
Comment: This sequence change replaces asparagine with lysine at codon 2280 of the VCAN protein (p.Asn2280Lys). The asparagine residue is weakly conserved and there is a moderate physicochemical difference between asparagine and lysine. In summary, the available evidence is currently insufficient to determine the role of this variant in disease. Therefore, it has been classified as a Variant of Uncertain Significance. Algorithms developed to predict the effect of missense changes on protein structure and function (SIFT, PolyPhen-2, Align-GVGD) all suggest that this variant is likely to be tolerated, but these predictions have not been confirmed by published functional studies and their clinical significance is uncertain. This variant has not been reported in the literature in individuals with VCAN-related conditions. This variant is not present in population databases (ExAC no frequency).

NM_004385.5(VCAN):c.6840T>A (p.Asn2280Lys)

Genes: VCAN (versican; plus strand), VCAN-AS1 (VCAN antisense RNA 1; minus strand). Cytogenetic location: 5q14.3.
Variant type: single nucleotide variant.
Coding change: c.6840T>A on transcript NM_004385.5 (MANE Select); coding-DNA position 6840, T replaced by A.
Protein change: p.Asn2280Lys; replaces asparagine 2280 with lysine.
Molecular consequence: missense variant. On other transcripts: intron variant (2).
Genome position (GRCh38, 1-based): chr5:83,539,843, T>A. VCF-style: chr5-83539843-T-A. GRCh37 (hg19) VCF-style: chr5-82835662-T-A.
Other names: c.3879T>A, p.Asn1293Lys (NM_001164097.2); c.4004-5694T>A (NM_001164098.2); c.1043-5694T>A (NM_001126336.3); short protein forms N1293K, N2280K.
Identifiers: ClinVar variation 933768 (VCV000933768.9), dbSNP rs770126619, ClinGen allele CA360313447.